The following is an entry in ClinVar:

ClinVar aggregate classification (germline): Pathogenic. Review status: criteria provided, multiple submitters, no conflicts (2 of 4 stars). 3 submissions from 3 submitters: Pathogenic (3). Last evaluated 2025-12-11.

Conditions:
Renal cysts and diabetes syndrome (RCAD). Also called: Familial hypoplastic, glomerulocystic kidney; MATURITY-ONSET DIABETES OF THE YOUNG, TYPE 5. Identifiers: Orphanet 93111, MedGen C0431693, MONDO:0007669, OMIM 137920.
Hyperechogenic kidneys. Also called: echogenic kidneys. Identifiers: MedGen C3275899, HP:0004719.

Submissions (3):

Labcorp Genetics (formerly Invitae), Labcorp
Classification: Pathogenic. Last evaluated: 2025-12-11. Review status: criteria provided, single submitter. Criteria: Invitae Variant Classification Sherloc (09022015). Collection method: clinical testing. Allele origin: germline.
Comment: This sequence change affects a donor splice site in intron 2 of the HNF1B gene. It is expected to disrupt RNA splicing. Variants that disrupt the donor or acceptor splice site typically lead to a loss of protein function (PMID: 16199547), and loss-of-function variants in HNF1B are known to be pathogenic (PMID: 9398836, 12148114, 15068978, 20378641). This variant is not present in population databases (gnomAD no frequency). Disruption of this splice site has been observed in individual(s) with renal cysts and diabetes syndrome (PMID: 11317673, 16371430, 36777702). It has also been observed to segregate with disease in related individuals. ClinVar contains an entry for this variant (Variation ID: 635673). Algorithms developed to predict the effect of sequence changes on RNA splicing suggest that this variant may disrupt the consensus splice site. For these reasons, this variant has been classified as Pathogenic.

Prenatal Diagnostic Center, Guangzhou Women and Children's Medical Center
Classification: Pathogenic for Hyperechogenic kidneys. Last evaluated: 2022-07-09. Review status: criteria provided, single submitter. Criteria: ACMG Guidelines, 2015. Collection method: clinical testing. Allele origin: maternal. Affected: yes.
Comment: The splice donor variant “NM_000458.4:c.544+1G>C” was classified as pathogenic using PVS1+PM2_Supporting+PP1+PP4 evidence. PVS1: HNF1B is a haploinsufficiency gene and the varinat is predicted to cause NMD, both SpliceAI (+1 position delta score for donor loss:0.97) and dbScSNV (rfscore:0.938;adascore:1) predicted to alter splicing; PM2_Supporting: the population frequency of this variant is no present in gnomAD, ExAc and 1000Genome database; PP4: the isolated bilateral renal hyperechogenicity phenotype of the fetal is highly specific for the genetic etiology of HNF1B disases.

Institute of Human Genetics, FAU Erlangen, Friedrich-Alexander-Universität Erlangen-Nürnberg
Classification: Pathogenic for Renal cysts and diabetes syndrome. Last evaluated: 2019-07-06. Review status: criteria provided, single submitter. Criteria: ACMG Guidelines, 2015. Collection method: literature only. Allele origin: germline. Affected: yes.
Comment: This variant and it's classification has been reported by Vasileiou et al. 2019; DOI:10.1101/576918. The variants has previously been reported in PMID:25700310; PMID:16371430; PMID:24897035; PMID:16371430; PMID:25536396 as "c.544+1G>C; c.544+1 G>C Splice site mutation; c.544+1G>C" with clinical significance Pathogenic. It has been re-classified using InterVar and manual curation as Pathogenic based on PVS1 PM2 PP3.

Literature cited by the submitters: PubMed 16199547 (cited by Labcorp Genetics (formerly Invitae), Labcorp); PubMed 9398836 (cited by Labcorp Genetics (formerly Invitae), Labcorp); PubMed 12148114 (cited by Labcorp Genetics (formerly Invitae), Labcorp); PubMed 15068978 (cited by Labcorp Genetics (formerly Invitae), Labcorp); PubMed 20378641 (cited by Labcorp Genetics (formerly Invitae), Labcorp); PubMed 11317673 (cited by Labcorp Genetics (formerly Invitae), Labcorp); PubMed 16371430 (cited by 3 submitters); PubMed 36777702 (cited by Labcorp Genetics (formerly Invitae), Labcorp); PubMed 25700310 (cited by Institute of Human Genetics, FAU Erlangen, Friedrich-Alexander-Universität Erlangen-Nürnberg); PubMed 24897035 (cited by Institute of Human Genetics, FAU Erlangen, Friedrich-Alexander-Universität Erlangen-Nürnberg); PubMed 25536396 (cited by Institute of Human Genetics, FAU Erlangen, Friedrich-Alexander-Universität Erlangen-Nürnberg); DOI 10.1101/576918 (cited by Institute of Human Genetics, FAU Erlangen, Friedrich-Alexander-Universität Erlangen-Nürnberg).

NM_000458.4(HNF1B):c.544+1G>C

Gene: HNF1B (HNF1 homeobox B; minus strand). Cytogenetic location: 17q12.
Variant type: single nucleotide variant.
Coding change: c.544+1G>C on transcript NM_000458.4 (MANE Select); the canonical splice donor site of the intron after coding-DNA position 544, G replaced by C.
Molecular consequence: splice donor variant.
Genome position (GRCh38, 1-based): chr17:37,739,439, C>G on the plus strand (G>C on the coding strand, the complement: HNF1B is on the minus strand). VCF-style: chr17-37739439-C-G. GRCh37 (hg19) VCF-style: chr17-36099430-C-G.
Other names: c.544+1G>C (NM_001304286.2, NM_001165923.4, NM_001411100.1).
Identifiers: ClinVar variation 635673 (VCV000635673.34), dbSNP rs1568670479, ClinGen allele CA398750995.